The following is an entry in ClinVar:

ClinVar aggregate classification (germline): Uncertain significance. Review status: criteria provided, multiple submitters, no conflicts (2 of 4 stars). 2 submissions from 2 submitters: Uncertain significance (2). Last evaluated 2022-08-30.

Conditions:
Dilated cardiomyopathy 1O (CMD1O). Also called: CARDIOMYOPATHY, DILATED, WITH VENTRICULAR TACHYCARDIA. Identifiers: Orphanet 154, MedGen C1837839, MONDO:0012062, OMIM 608569.

Submissions (2):

Labcorp Genetics (formerly Invitae), Labcorp
Classification: Uncertain significance for Dilated cardiomyopathy 1O. Last evaluated: 2022-08-30. Review status: criteria provided, single submitter. Criteria: Invitae Variant Classification Sherloc (09022015). Collection method: clinical testing. Allele origin: germline.
Comment: This sequence change replaces threonine, which is neutral and polar, with alanine, which is neutral and non-polar, at codon 1543 of the ABCC9 protein (p.Thr1543Ala). This variant is present in population databases (no rsID available, gnomAD 0.003%). This variant has not been reported in the literature in individuals affected with ABCC9-related conditions. Algorithms developed to predict the effect of missense changes on protein structure and function (SIFT, PolyPhen-2, Align-GVGD) all suggest that this variant is likely to be tolerated. In summary, the available evidence is currently insufficient to determine the role of this variant in disease. Therefore, it has been classified as a Variant of Uncertain Significance.

Blueprint Genetics
Classification: Uncertain significance. Last evaluated: 2022-05-10. Review status: criteria provided, single submitter. Criteria: ACMG Guidelines, 2015. Collection method: clinical testing. Allele origin: germline.

NM_020297.4(ABCC9):c.4512+801A>G

Genes: ABCC9 (ATP binding cassette subfamily C member 9; minus strand), KCNJ8-AS1 (KCNJ8 antisense RNA 1; plus strand). Cytogenetic location: 12p12.1.
Variant type: single nucleotide variant.
Coding change: c.4512+801A>G on transcript NM_020297.4 (MANE Select); 801 bases into the intron after coding-DNA position 4512, A replaced by G.
Molecular consequence: intron variant. On other transcripts: missense variant (1).
Genome position (GRCh38, 1-based): chr12:21,805,197, T>C on the plus strand (A>G on the coding strand, the complement: ABCC9 is on the minus strand). VCF-style: chr12-21805197-T-C. GRCh37 (hg19) VCF-style: chr12-21958131-T-C.
Other names: c.4627A>G, p.Thr1543Ala (NM_005691.4); c.3645+801A>G (NM_001377274.1); c.4512+801A>G (NM_001377273.1); short protein forms T1543A.
Identifiers: ClinVar variation 1922567 (VCV001922567.6), dbSNP rs748008984, ClinGen allele CA233607462.